The following is an entry in ClinVar:

NM_013266.4(CTNNA3):c.2563A>G (p.Lys855Glu)

Gene: CTNNA3 (catenin alpha 3; minus strand). Cytogenetic location: 10q21.3.
Variant type: single nucleotide variant.
Coding change: c.2563A>G on transcript NM_013266.4 (MANE Select); coding-DNA position 2563, A replaced by G.
Protein change: p.Lys855Glu; replaces lysine 855 with glutamic acid.
Molecular consequence: missense variant.
Genome position (GRCh38, 1-based): chr10:65,920,455, T>C on the plus strand (A>G on the coding strand, the complement: CTNNA3 is on the minus strand). VCF-style: chr10-65920455-T-C. GRCh37 (hg19) VCF-style: chr10-67680213-T-C.
Other names: c.2563A>G, p.Lys855Glu (NM_001127384.3); short protein forms K855E.
Identifiers: ClinVar variation 1379911 (VCV001379911.6), dbSNP rs2133105906, ClinGen allele CA377088847.

ClinVar aggregate classification (germline): Uncertain significance (1 of 4 stars; one submission).

Conditions:
Arrhythmogenic right ventricular dysplasia 13. Also called: ARRHYTHMOGENIC RIGHT VENTRICULAR CARDIOMYOPATHY 13; Arrhythmogenic right ventricular dysplasia, familial, 13. Identifiers: MedGen C3810138, MONDO:0000908, OMIM 615616.

Submission:

Labcorp Genetics (formerly Invitae), Labcorp
Classification: Uncertain significance for Arrhythmogenic right ventricular dysplasia 13. Last evaluated: 2022-03-18. Review status: criteria provided, single submitter. Criteria: Invitae Variant Classification Sherloc (09022015). Collection method: clinical testing. Allele origin: germline.
Comment: This sequence change replaces lysine, which is basic and polar, with glutamic acid, which is acidic and polar, at codon 855 of the CTNNA3 protein (p.Lys855Glu). This variant is not present in population databases (gnomAD no frequency). This variant has not been reported in the literature in individuals affected with CTNNA3-related conditions. Algorithms developed to predict the effect of missense changes on protein structure and function are either unavailable or do not agree on the potential impact of this missense change (SIFT: "Deleterious"; PolyPhen-2: "Not Available"; Align-GVGD: "Class C0"). In summary, the available evidence is currently insufficient to determine the role of this variant in disease. Therefore, it has been classified as a Variant of Uncertain Significance.